The following is an entry in ClinVar:

ClinVar aggregate classification (germline): Uncertain significance (1 of 4 stars; one submission).

Conditions:
Pierpont syndrome (PRPTS). Identifiers: Orphanet 487825, MedGen C1865644, MONDO:0011213, OMIM 602342.

Submission:

Labcorp Genetics (formerly Invitae), Labcorp
Classification: Uncertain significance for Pierpont syndrome. Last evaluated: 2026-01-12. Review status: criteria provided, single submitter. Criteria: Invitae Variant Classification Sherloc (09022015). Collection method: clinical testing. Allele origin: germline.
Comment: This sequence change replaces arginine, which is basic and polar, with serine, which is neutral and polar, at codon 481 of the TBL1XR1 protein (p.Arg481Ser). This variant is not present in population databases (gnomAD no frequency). This variant has not been reported in the literature in individuals affected with TBL1XR1-related conditions. An algorithm developed to predict the effect of missense changes on protein structure and function (PolyPhen-2) suggests that this variant is likely to be tolerated. In summary, the available evidence is currently insufficient to determine the role of this variant in disease. Therefore, it has been classified as a Variant of Uncertain Significance.

NM_024665.7(TBL1XR1):c.1443G>T (p.Arg481Ser)

Gene: TBL1XR1 (TBL1X/Y related 1; minus strand). Cytogenetic location: 3q26.32.
Variant type: single nucleotide variant.
Coding change: c.1443G>T on transcript NM_024665.7 (MANE Select); coding-DNA position 1443, G replaced by T.
Protein change: p.Arg481Ser; replaces arginine 481 with serine.
Molecular consequence: missense variant.
Genome position (GRCh38, 1-based): chr3:177,026,448, C>A on the plus strand (G>T on the coding strand, the complement: TBL1XR1 is on the minus strand). VCF-style: chr3-177026448-C-A. GRCh37 (hg19) VCF-style: chr3-176744236-C-A.
Other names: c.1443G>T, p.Arg481Ser (NM_001321193.3, NM_001321194.3, NM_001374327.1 and 2 more transcripts); c.1182G>T, p.Arg394Ser (NM_001321195.3, NM_001374330.1); short protein forms R394S, R481S.
Identifiers: ClinVar variation 4733080 (VCV004733080.1).